The following is an entry in ClinVar:

NM_001942.4(DSG1):c.1342G>A (p.Val448Ile)

Gene: DSG1 (desmoglein 1; plus strand). Cytogenetic location: 18q12.1.
Variant type: single nucleotide variant.
Coding change: c.1342G>A on transcript NM_001942.4 (MANE Select); coding-DNA position 1342, G replaced by A.
Protein change: p.Val448Ile; replaces valine 448 with isoleucine.
Molecular consequence: missense variant.
Genome position (GRCh38, 1-based): chr18:31,338,391, G>A. VCF-style: chr18-31338391-G-A. GRCh37 (hg19) VCF-style: chr18-28918354-G-A.
Other names: short protein forms V448I.
Identifiers: ClinVar variation 1022275 (VCV001022275.8), dbSNP rs913062854, ClinGen allele CA297695351.

ClinVar aggregate classification (germline): Uncertain significance (1 of 4 stars; one submission).

Allele frequency attached by ClinVar (database versions not stated): gnomAD 0.00001; gnomAD exomes 0.00001; TOPMed 0.00001.
gnomAD v4.1: 4 of 1,613,676 alleles (0.00025%); highest among the groups gnomAD compares: South Asian, 0.0033%; no homozygotes.

Submission:

Labcorp Genetics (formerly Invitae), Labcorp
Classification: Uncertain significance. Last evaluated: 2020-09-25. Review status: criteria provided, single submitter. Criteria: Invitae Variant Classification Sherloc (09022015). Collection method: clinical testing. Allele origin: germline.
Comment: In summary, the available evidence is currently insufficient to determine the role of this variant in disease. Therefore, it has been classified as a Variant of Uncertain Significance. Algorithms developed to predict the effect of missense changes on protein structure and function output the following: SIFT: "Tolerated"; PolyPhen-2: "Benign"; Align-GVGD: "Class C0". The isoleucine amino acid residue is found in multiple mammalian species, suggesting that this missense change does not adversely affect protein function. These predictions have not been confirmed by published functional studies and their clinical significance is uncertain. This variant has not been reported in the literature in individuals with DSG1-related conditions. This variant is not present in population databases (ExAC no frequency). This sequence change replaces valine with isoleucine at codon 448 of the DSG1 protein (p.Val448Ile). The valine residue is highly conserved and there is a small physicochemical difference between valine and isoleucine.